The following is an entry in ClinVar:

NM_032801.5(JAM3):c.-4C>T

Gene: JAM3 (junctional adhesion molecule 3; plus strand). Cytogenetic location: 11q25.
Variant type: single nucleotide variant.
Coding change: c.-4C>T on transcript NM_032801.5 (MANE Select); 4 bases upstream of the start codon, C replaced by T.
Molecular consequence: 5 prime UTR variant.
Genome position (GRCh38, 1-based): chr11:134,069,080, C>T. VCF-style: chr11-134069080-C-T. GRCh37 (hg19) VCF-style: chr11-133938975-C-T.
Other names: c.-4C>T (NM_001205329.2).
Identifiers: ClinVar variation 4980630 (VCV004980630.1).

ClinVar aggregate classification (germline): Likely benign (1 of 4 stars; one submission).

Conditions:
JAM3-related disorder. Also called: JAM3-related condition.

Submission:

PreventionGenetics, part of Exact Sciences
Classification: Likely benign for JAM3-related condition. Last evaluated: 2026-02-24. Review status: criteria provided, single submitter. Criteria: ACMG Guidelines, 2015. Collection method: clinical testing. Allele origin: germline.
Comment: This variant is classified as likely benign based on ACMG/AMP sequence variant interpretation guidelines (Richards et al. 2015 PMID: 25741868, with internal and published modifications).